The following is an entry in ClinVar:

ClinVar aggregate classification (germline): Uncertain significance (1 of 4 stars; one submission).

Submission:

Ambry Genetics
Classification: Uncertain significance. Last evaluated: 2025-02-20. Review status: criteria provided, single submitter. Criteria: Ambry Variant Classification Scheme 2023. Collection method: clinical testing. Allele origin: germline.
Comment: The p.V1478I variant (also known as c.4432G>A), located in coding exon 14 of the CDK12 gene, results from a G to A substitution at nucleotide position 4432. The valine at codon 1478 is replaced by isoleucine, an amino acid with highly similar properties. This amino acid position is conserved. In addition, this alteration is predicted to be tolerated by in silico analysis. Based on the available evidence, the clinical significance of this variant remains unclear.

NM_016507.4(CDK12):c.4432G>A (p.Val1478Ile)

Gene: CDK12 (cyclin dependent kinase 12; plus strand). Cytogenetic location: 17q12.
Variant type: single nucleotide variant.
Coding change: c.4432G>A on transcript NM_016507.4 (MANE Select); coding-DNA position 4432, G replaced by A.
Protein change: p.Val1478Ile; replaces valine 1478 with isoleucine.
Molecular consequence: missense variant.
Genome position (GRCh38, 1-based): chr17:39,531,275, G>A. VCF-style: chr17-39531275-G-A. GRCh37 (hg19) VCF-style: chr17-37687528-G-A.
Other names: c.4405G>A, p.Val1469Ile (NM_015083.4); short protein forms V1469I, V1478I.
Identifiers: ClinVar variation 3830690 (VCV003830690.1).